The following is an entry in ClinVar:

ClinVar aggregate classification (germline): Uncertain significance (1 of 4 stars; one submission).

Allele frequency attached by ClinVar (database versions not stated): gnomAD exomes 0.00001 and 0.00005.

Submission:

GeneDx
Classification: Uncertain significance. Last evaluated: 2020-02-20. Review status: criteria provided, single submitter. Criteria: GeneDx Variant Classification Process June 2021. Collection method: clinical testing. Allele origin: germline. Affected: yes.
Comment: Has not been previously published as pathogenic or benign to our knowledge; In silico analysis supports that this missense variant does not alter protein structure/function

NM_020971.3(SPTBN4):c.4492G>A (p.Val1498Met)

Gene: SPTBN4 (spectrin beta, non-erythrocytic 4; plus strand). Cytogenetic location: 19q13.2.
Variant type: single nucleotide variant.
Coding change: c.4492G>A on transcript NM_020971.3 (MANE Select); coding-DNA position 4492, G replaced by A.
Protein change: p.Val1498Met; replaces valine 1498 with methionine.
Molecular consequence: missense variant.
Genome position (GRCh38, 1-based): chr19:40,549,321, G>A. VCF-style: chr19-40549321-G-A. GRCh37 (hg19) VCF-style: chr19-41055227-G-A.
Other names: c.520G>A, p.Val174Met (NM_025213.3); short protein forms V1498M, V174M.
Identifiers: ClinVar variation 1313998 (VCV001313998.2), dbSNP rs1377990526, ClinGen allele CA405922305.
Genomic context (GRCh38, chr19:40,549,321, plus strand): 5'-CTGGAGCCGGCGAGCAAGGAGCTGGTGGGTGAGCGGCAGAACGCGGTGGGCGAGCGCCTG[G>A]TGCGCCTGCTCGAGCCGTTGCAGGAGCGCCGCCGCTTGCTGCTGGCTTCCAAGGAGTTGC-3'
Protein context (NP_066022.2, residues 1488-1508): ERQNAVGERL[Val1498Met]RLLEPLQERR